The following is an entry in ClinVar:

ClinVar aggregate classification (germline): Uncertain significance (1 of 4 stars; one submission).

Allele frequency attached by ClinVar (database versions not stated): gnomAD exomes below 0.00001.
gnomAD v4.1: 3 of 1,612,286 alleles (0.00019%); highest among the groups gnomAD compares: Non-Finnish European, 0.00025%; no homozygotes.

Submission:

Labcorp Genetics (formerly Invitae), Labcorp
Classification: Uncertain significance. Last evaluated: 2022-04-29. Review status: criteria provided, single submitter. Criteria: Invitae Variant Classification Sherloc (09022015). Collection method: clinical testing. Allele origin: germline.
Comment: In summary, the available evidence is currently insufficient to determine the role of this variant in disease. Therefore, it has been classified as a Variant of Uncertain Significance. Algorithms developed to predict the effect of missense changes on protein structure and function (SIFT, PolyPhen-2, Align-GVGD) all suggest that this variant is likely to be disruptive. This variant has not been reported in the literature in individuals affected with HMCN1-related conditions. This variant is not present in population databases (gnomAD no frequency). This sequence change replaces serine, which is neutral and polar, with proline, which is neutral and non-polar, at codon 2594 of the HMCN1 protein (p.Ser2594Pro).

NM_031935.3(HMCN1):c.7780T>C (p.Ser2594Pro)

Gene: HMCN1 (hemicentin 1; plus strand). Cytogenetic location: 1q31.1.
Variant type: single nucleotide variant.
Coding change: c.7780T>C on transcript NM_031935.3 (MANE Select); coding-DNA position 7780, T replaced by C.
Protein change: p.Ser2594Pro; replaces serine 2594 with proline.
Molecular consequence: missense variant.
Genome position (GRCh38, 1-based): chr1:186,067,908, T>C. VCF-style: chr1-186067908-T-C. GRCh37 (hg19) VCF-style: chr1-186037040-T-C.
Other names: short protein forms S2594P.
Identifiers: ClinVar variation 2131818 (VCV002131818.4), dbSNP rs2527788315, ClinGen allele CA343908356.